The following is an entry in ClinVar:

NM_002098.6(GUCA1B):c.312T>G (p.Asp104Glu)

Gene: GUCA1B (guanylate cyclase activator 1B; minus strand). Cytogenetic location: 6p21.1.
Variant type: single nucleotide variant.
Coding change: c.312T>G on transcript NM_002098.6 (MANE Select); coding-DNA position 312, T replaced by G.
Protein change: p.Asp104Glu; replaces aspartic acid 104 with glutamic acid.
Molecular consequence: missense variant.
Genome position (GRCh38, 1-based): chr6:42,188,627, A>C on the plus strand (T>G on the coding strand, the complement: GUCA1B is on the minus strand). VCF-style: chr6-42188627-A-C. GRCh37 (hg19) VCF-style: chr6-42156365-A-C.
Other names: short protein forms D104E.
Identifiers: ClinVar variation 1002379 (VCV001002379.8), dbSNP rs1239750905, ClinGen allele CA364112965.

ClinVar aggregate classification (germline): Uncertain significance (1 of 4 stars; one submission).

Allele frequency attached by ClinVar (database versions not stated): gnomAD exomes below 0.00001.
gnomAD v4.1: 2 of 1,614,042 alleles (0.00012%); highest among the groups gnomAD compares: Non-Finnish European, 0.00017%; no homozygotes.

Submission:

Labcorp Genetics (formerly Invitae), Labcorp
Classification: Uncertain significance. Last evaluated: 2025-05-05. Review status: criteria provided, single submitter. Criteria: Invitae Variant Classification Sherloc (09022015). Collection method: clinical testing. Allele origin: germline.
Comment: This sequence change replaces aspartic acid, which is acidic and polar, with glutamic acid, which is acidic and polar, at codon 104 of the GUCA1B protein (p.Asp104Glu). This variant is present in population databases (no rsID available, gnomAD 0.0009%). This variant has not been reported in the literature in individuals affected with GUCA1B-related conditions. ClinVar contains an entry for this variant (Variation ID: 1002379). An algorithm developed to predict the effect of missense changes on protein structure and function (PolyPhen-2) suggests that this variant is likely to be disruptive. In summary, the available evidence is currently insufficient to determine the role of this variant in disease. Therefore, it has been classified as a Variant of Uncertain Significance.